The following is an entry in ClinVar:

ClinVar aggregate classification (germline): Uncertain significance (1 of 4 stars; one submission).

Conditions:
Aortic aneurysm, familial thoracic 7 (AAT7). Also called: AORTIC DISSECTION, FAMILIAL, WITH OR WITHOUT AORTIC ANEURYSM. Identifiers: MedGen C3151077, MONDO:0013418, OMIM 613780.

Submission:

Labcorp Genetics (formerly Invitae), Labcorp
Classification: Uncertain significance for Aortic aneurysm, familial thoracic 7. Last evaluated: 2022-05-04. Review status: criteria provided, single submitter. Criteria: Invitae Variant Classification Sherloc (09022015). Collection method: clinical testing. Allele origin: germline.
Comment: This sequence change creates a premature translational stop signal (p.Glu370Glyfs*31) in the MYLK gene. This variant occurs in the long isoform of MYLK (PMID: 21055718). The current clinical and genetic evidence is not sufficient to establish whether loss-of-function variants in the long isoform of MYLK cause disease. This variant is not present in population databases (gnomAD no frequency). In summary, the available evidence is currently insufficient to determine the role of this variant in disease. Therefore, it has been classified as a Variant of Uncertain Significance. This variant has not been reported in the literature in individuals affected with MYLK-related conditions.

Literature cited by the submitters: PubMed 21055718.

NM_053025.4(MYLK):c.1108dup (p.Glu370fs)

Gene: MYLK (myosin light chain kinase; minus strand). Cytogenetic location: 3q21.1.
Variant type: Duplication.
Coding change: c.1108dup on transcript NM_053025.4 (MANE Select); coding-DNA position 1108, one base duplicated (G; older notation c.1108dupG).
Protein change: p.Glu370fs; shifts the reading frame from glutamic acid 370.
Molecular consequence: frameshift variant.
Genome position (GRCh38, 1-based): chr3:123,733,888, C duplicated on the plus strand (G on the coding strand, the reverse complement: MYLK is on the minus strand). VCF-style (leftmost placement, unchanged base first): chr3-123733887-T-TC. GRCh37 (hg19) VCF-style: chr3-123452734-T-TC.
Other names: c.580dup, p.Glu194fs (NM_001321309.2); c.1108dup, p.Glu370fs (NM_053026.4, NM_053027.4, NM_053028.4); short protein forms E194fs, E370fs.
Identifiers: ClinVar variation 2132568 (VCV002132568.4), dbSNP rs2474563475, ClinGen allele CA2580068660.